The following is an entry in ClinVar:

NM_016169.4(SUFU):c.1352C>T (p.Thr451Ile)

Gene: SUFU (SUFU negative regulator of hedgehog signaling; plus strand). Cytogenetic location: 10q24.32.
Variant type: single nucleotide variant.
Coding change: c.1352C>T on transcript NM_016169.4 (MANE Select); coding-DNA position 1352, C replaced by T.
Protein change: p.Thr451Ile; replaces threonine 451 with isoleucine.
Molecular consequence: missense variant.
Genome position (GRCh38, 1-based): chr10:102,627,230, C>T. VCF-style: chr10-102627230-C-T. GRCh37 (hg19) VCF-style: chr10-104386987-C-T.
Other names: short protein forms T451I.
Identifiers: ClinVar variation 3451126 (VCV003451126.1).

ClinVar aggregate classification (germline): Uncertain significance (1 of 4 stars; one submission).

Conditions:
Hereditary cancer-predisposing syndrome. Also called: Tumor predisposition; Neoplastic Syndromes, Hereditary; Hereditary neoplastic syndrome; Hereditary Cancer Syndrome. Identifiers: Orphanet 140162, MedGen C0027672, MeSH D009386, MONDO:0015356.

Submission:

Ambry Genetics
Classification: Uncertain significance for Hereditary cancer-predisposing syndrome. Last evaluated: 2024-08-19. Review status: criteria provided, single submitter. Criteria: Ambry Variant Classification Scheme 2023. Collection method: clinical testing. Allele origin: germline.
Comment: The p.T451I variant (also known as c.1352C>T), located in coding exon 11 of the SUFU gene, results from a C to T substitution at nucleotide position 1352. The threonine at codon 451 is replaced by isoleucine, an amino acid with similar properties. This amino acid position is conserved. In addition, this alteration is predicted to be tolerated by in silico analysis. Based on the available evidence, the clinical significance of this variant remains unclear.